The following is an entry in ClinVar:

NM_000051.4(ATM):c.956T>C (p.Leu319Pro)

Gene: ATM (ATM serine/threonine kinase; plus strand). Cytogenetic location: 11q22.3.
Variant type: single nucleotide variant.
Coding change: c.956T>C on transcript NM_000051.4 (MANE Select); coding-DNA position 956, T replaced by C.
Protein change: p.Leu319Pro; replaces leucine 319 with proline.
Molecular consequence: missense variant.
Genome position (GRCh38, 1-based): chr11:108,247,018, T>C. VCF-style: chr11-108247018-T-C. GRCh37 (hg19) VCF-style: chr11-108117745-T-C.
Other names: c.956T>C, p.Leu319Pro (NM_001351834.2); short protein forms L319P.
Identifiers: ClinVar variation 2004178 (VCV002004178.1), dbSNP rs2135266124, ClinGen allele CA382530912.

ClinVar aggregate classification (germline): Uncertain significance (1 of 4 stars; one submission).

Conditions:
Ataxia-telangiectasia syndrome (AT). Also called: Ataxia-telangiectasia, complementation group E; Ataxia-telangiectasia; ATAXIA-TELANGIECTASIA, COMPLEMENTATION GROUP A; Ataxia-telangiectasia, complementation group D; Ataxia telangiectasia (A-T); LOUIS-BAR SYNDROME. Identifiers: Orphanet 100, MedGen C0004135, MONDO:0008840, OMIM 208900.

Allele frequency attached by ClinVar (database versions not stated): gnomAD exomes below 0.00001.
gnomAD v4.1: 1 of 1,613,192 alleles (0.000062%); highest among the groups gnomAD compares: Non-Finnish European, 0.000085%; no homozygotes.

Submission:

Labcorp Genetics (formerly Invitae), Labcorp
Classification: Uncertain significance for Ataxia-telangiectasia syndrome. Last evaluated: 2022-06-10. Review status: criteria provided, single submitter. Criteria: Invitae Variant Classification Sherloc (09022015). Collection method: clinical testing. Allele origin: germline.
Comment: This sequence change replaces leucine, which is neutral and non-polar, with proline, which is neutral and non-polar, at codon 319 of the ATM protein (p.Leu319Pro). This variant is not present in population databases (gnomAD no frequency). This variant has not been reported in the literature in individuals affected with ATM-related conditions. Advanced modeling of protein sequence and biophysical properties (such as structural, functional, and spatial information, amino acid conservation, physicochemical variation, residue mobility, and thermodynamic stability) performed at Invitae indicates that this missense variant is not expected to disrupt ATM protein function. In summary, the available evidence is currently insufficient to determine the role of this variant in disease. Therefore, it has been classified as a Variant of Uncertain Significance.